The following is an entry in ClinVar:

ClinVar aggregate classification (germline): Pathogenic (1 of 4 stars; one submission).

Conditions:
Marfan syndrome (MFS). Also called: FBN1-Related Marfan Syndrome; MARFAN SYNDROME, TYPE I; Marfan syndrome type 1; Marfan's syndrome; Marfan syndrome, classic. Identifiers: Orphanet 284963, Orphanet 558, MedGen C0024796, MONDO:0007947, OMIM 154700.
Familial thoracic aortic aneurysm and aortic dissection (TAAD). Also called: Thoracic aortic aneurysms and dissections. Identifiers: Orphanet 91387, MedGen C4707243, MONDO:0019625.

Submission:

Labcorp Genetics (formerly Invitae), Labcorp
Classification: Pathogenic for Marfan syndrome; Familial thoracic aortic aneurysm and aortic dissection. Last evaluated: 2021-06-21. Review status: criteria provided, single submitter. Criteria: Invitae Variant Classification Sherloc (09022015). Collection method: clinical testing. Allele origin: germline.
Comment: This sequence change creates a premature translational stop signal (p.Cys696Serfs*22) in the FBN1 gene. It is expected to result in an absent or disrupted protein product. Loss-of-function variants in FBN1 are known to be pathogenic (PMID: 17657824, 19293843). This variant is not present in population databases (ExAC no frequency). This variant has not been reported in the literature in individuals with FBN1-related conditions. ClinVar contains an entry for this variant (Variation ID: 962118). For these reasons, this variant has been classified as Pathogenic.

Literature cited by the submitters: PubMed 17657824; PubMed 19293843.

NM_000138.5(FBN1):c.2087del (p.Cys696fs)

Gene: FBN1 (fibrillin 1; minus strand). Cytogenetic location: 15q21.1.
Variant type: Deletion.
Coding change: c.2087del on transcript NM_000138.5 (MANE Select); coding-DNA position 2087, one base deleted (G; older notation c.2087delG).
Protein change: p.Cys696fs; shifts the reading frame from cysteine 696.
Molecular consequence: frameshift variant.
Genome position (GRCh38, 1-based): chr15:48,503,813, C deleted on the plus strand (G on the coding strand, the reverse complement: FBN1 is on the minus strand). VCF-style (leftmost placement, unchanged base first): chr15-48503812-GC-G. GRCh37 (hg19) VCF-style: chr15-48796009-GC-G.
Other names: short protein forms C696fs.
Identifiers: ClinVar variation 962118 (VCV000962118.7), dbSNP rs2043684490, ClinGen allele CA1139663974.